The following is an entry in ClinVar:

NM_017570.5(OPLAH):c.554G>T (p.Arg185Leu)

Gene: OPLAH (5-oxoprolinase, ATP-hydrolysing; minus strand). Cytogenetic location: 8q24.3.
Variant type: single nucleotide variant.
Coding change: c.554G>T on transcript NM_017570.5 (MANE Select); coding-DNA position 554, G replaced by T.
Protein change: p.Arg185Leu; replaces arginine 185 with leucine.
Molecular consequence: missense variant.
Genome position (GRCh38, 1-based): chr8:144,058,806, C>A on the plus strand (G>T on the coding strand, the complement: OPLAH is on the minus strand). VCF-style: chr8-144058806-C-A. GRCh37 (hg19) VCF-style: chr8-145113709-C-A.
Other names: short protein forms R185L.
Identifiers: ClinVar variation 2974079 (VCV002974079.3), dbSNP rs868953913, ClinGen allele CA372572267.

ClinVar aggregate classification (germline): Uncertain significance (1 of 4 stars; one submission).

Conditions:
5-Oxoprolinase deficiency (OPLAHD). Also called: 5-OXOPROLINURIA DUE TO 5-OXOPROLINASE DEFICIENCY. Identifiers: Orphanet 33572, MedGen C0268525, MONDO:0009825, OMIM 260005, HP:0040142.

gnomAD v4.1: 26 of 1,601,126 alleles (0.0016%); highest among the groups gnomAD compares: Non-Finnish European, 0.0021%; no homozygotes.

Submission:

Labcorp Genetics (formerly Invitae), Labcorp
Classification: Uncertain significance for 5-Oxoprolinase deficiency. Last evaluated: 2024-11-11. Review status: criteria provided, single submitter. Criteria: Invitae Variant Classification Sherloc (09022015). Collection method: clinical testing. Allele origin: germline.
Comment: This sequence change replaces arginine, which is basic and polar, with leucine, which is neutral and non-polar, at codon 185 of the OPLAH protein (p.Arg185Leu). This variant is not present in population databases (gnomAD no frequency). This variant has not been reported in the literature in individuals affected with OPLAH-related conditions. ClinVar contains an entry for this variant (Variation ID: 2974079). Experimental studies and prediction algorithms are not available or were not evaluated, and the functional significance of this variant is currently unknown. In summary, the available evidence is currently insufficient to determine the role of this variant in disease. Therefore, it has been classified as a Variant of Uncertain Significance.